The following is an entry in ClinVar:

ClinVar aggregate classification (germline): Pathogenic (1 of 4 stars; one submission).

Conditions:
PKD1-related disorder. Also called: PKD1-related condition.

Submission:

PreventionGenetics, part of Exact Sciences
Classification: Pathogenic for PKD1-related condition. Last evaluated: 2026-06-12. Review status: criteria provided, single submitter. Criteria: ACMG Guidelines, 2015. Collection method: clinical testing. Allele origin: germline.
Comment: The PKD1 c.5100dupC variant is predicted to result in a frameshift and premature protein termination (p.Asn1701Glnfs*70). To our knowledge, this variant has not been reported in the literature or in a large population database (gnomAD), indicating this variant is rare. Frameshift variants in PKD1 are expected to be pathogenic. This variant is interpreted as pathogenic.

NM_001009944.3(PKD1):c.5100dup (p.Asn1701fs)

Gene: PKD1 (polycystin 1, transient receptor potential channel interacting; minus strand). Cytogenetic location: 16p13.3.
Variant type: Duplication.
Coding change: c.5100dup on transcript NM_001009944.3 (MANE Select); coding-DNA position 5100, one base duplicated (C; older notation c.5100dupC).
Protein change: p.Asn1701fs; shifts the reading frame from asparagine 1701.
Molecular consequence: frameshift variant.
Genome position (GRCh38, 1-based): chr16:2,110,067, G duplicated on the plus strand (C on the coding strand, the reverse complement: PKD1 is on the minus strand); the first of 2 consecutive G bases (chr16:2,110,067-2,110,068); duplicating either gives the same sequence. VCF-style (leftmost placement, unchanged base first): chr16-2110066-T-TG. GRCh37 (hg19) VCF-style: chr16-2160067-T-TG.
Other names: c.5100dup, p.Asn1701fs (NM_000296.4); c.5100dupC (NM_001009944.2); short protein forms N1701fs.
Identifiers: ClinVar variation 4990949 (VCV004990949.1).